The following is an entry in ClinVar:

ClinVar aggregate classification (germline): Uncertain significance (1 of 4 stars; one submission).

Conditions:
Developmental and epileptic encephalopathy, 50 (DEE50). Also called: Epileptic encephalopathy, early infantile, 50. Identifiers: Orphanet 448010, MedGen C4225320, MONDO:0014647, OMIM 616457.

Submission:

OLLIN Analises Genomicas, OLLIN
Classification: Uncertain significance for Developmental and epileptic encephalopathy, 50. Last evaluated: 2026-08-06. Review status: criteria provided, single submitter. Criteria: ACMG Guidelines 2015 PMID 25741868. Collection method: clinical testing. Allele origin: germline. Inheritance: Autosomal recessive inheritance.
Comment: This missense variant, located in exon 16 (of 44), is absent from gnomAD and ClinVar and has not been identified in the literature. In silico analysis predicts that this variant has a deleterious effect. According to the currently available evidence, this variant has been classified as uncertain significance (PM2_P, PP3_S).

NM_004341.5(CAD):c.2369T>G (p.Phe790Cys)

Genes: CAD (carbamoyl-phosphate synthetase 2, aspartate transcarbamylase, and dihydroorotase; plus strand), LOC126806171 (BRD4-independent group 4 enhancer GRCh37_chr2:27454350-27455549; plus strand). Cytogenetic location: 2p23.3.
Variant type: single nucleotide variant.
Coding change: c.2369T>G on transcript NM_004341.5 (MANE Select); coding-DNA position 2369, T replaced by G.
Protein change: p.Phe790Cys; replaces phenylalanine 790 with cysteine.
Molecular consequence: missense variant.
Genome position (GRCh38, 1-based): chr2:27,231,549, T>G. VCF-style: chr2-27231549-T-G. GRCh37 (hg19) VCF-style: chr2-27454417-T-G.
Other names: c.2180T>G, p.Phe727Cys (NM_001306079.2); short protein forms F727C, F790C.
Identifiers: ClinVar variation 5003024 (VCV005003024.1).
Genomic context (GRCh38, chr2:27,231,549, plus strand): 5'-GTTCATTTGAGGAGGCCTTCCAGAAGGCCCTGCGCATGGTGGATGAGAACTGTGTGGGCT[T>G]TGATCACACAGTGAAACCAGTCAGCGATATGGTAAGTAGCTCCCCTCCCCTGGCAATACC-3'
Protein context (NP_004332.2, residues 780-800): LRMVDENCVG[Phe790Cys]DHTVKPVSDM